The following is an entry in ClinVar:

NM_033004.4(NLRP1):c.3466G>C (p.Ala1156Pro)

Gene: NLRP1 (NLR family pyrin domain containing 1; minus strand). Cytogenetic location: 17p13.2.
Variant type: single nucleotide variant.
Coding change: c.3466G>C on transcript NM_033004.4 (MANE Select); coding-DNA position 3466, G replaced by C.
Protein change: p.Ala1156Pro; replaces alanine 1156 with proline.
Molecular consequence: missense variant.
Genome position (GRCh38, 1-based): chr17:5,530,535, C>G on the plus strand (G>C on the coding strand, the complement: NLRP1 is on the minus strand). VCF-style: chr17-5530535-C-G. GRCh37 (hg19) VCF-style: chr17-5433855-C-G.
Other names: c.3478G>C, p.Ala1160Pro (NM_001033053.3); c.3466G>C, p.Ala1156Pro (NM_014922.5); c.3376G>C, p.Ala1126Pro (NM_033006.4, NM_033007.4); short protein forms A1156P, A1160P, A1126P.
Identifiers: ClinVar variation 3696152 (VCV003696152.3).
Genomic context (GRCh38, chr17:5,530,535, plus strand): 5'-GTTTACCTTGGAGAGCCACAAAGTGAGGGAGGTGCACAGCTTCCACAGCTCCAGGCTCAG[C>G]CTTGATGTCCAGCAGAGGCCCTGCCACCATCCAGCTGTGCTGTGGGTTGATCTCACCCAG-3'
Protein context (NP_127497.1, residues 1146-1166): MVAGPLLDIK[Ala1156Pro]EPGAVEAVHL

ClinVar aggregate classification (germline): Uncertain significance. Review status: criteria provided, multiple submitters, no conflicts (2 of 4 stars). 2 submissions from 2 submitters: Uncertain significance (2). Last evaluated 2024-10-30.

gnomAD v4.1: 10 of 1,614,232 alleles (0.00062%); highest among the groups gnomAD compares: Non-Finnish European, 0.00076%; no homozygotes.

Submissions (2):

Labcorp Genetics (formerly Invitae), Labcorp
Classification: Uncertain significance. Last evaluated: 2024-10-30. Review status: criteria provided, single submitter. Criteria: Invitae Variant Classification Sherloc (09022015). Collection method: clinical testing. Allele origin: germline.
Comment: This sequence change replaces alanine, which is neutral and non-polar, with proline, which is neutral and non-polar, at codon 1156 of the NLRP1 protein (p.Ala1156Pro). This variant is present in population databases (rs756780801, gnomAD 0.002%). This variant has not been reported in the literature in individuals affected with NLRP1-related conditions. An algorithm developed to predict the effect of missense changes on protein structure and function (PolyPhen-2) suggests that this variant is likely to be disruptive. In summary, the available evidence is currently insufficient to determine the role of this variant in disease. Therefore, it has been classified as a Variant of Uncertain Significance.

Blueprint Genetics
Classification: Uncertain significance. Last evaluated: 2022-06-22. Review status: criteria provided, single submitter. Criteria: ACMG Guidelines, 2015. Collection method: clinical testing. Allele origin: germline.